The following is an entry in ClinVar:

NM_004304.5(ALK):c.2599G>A (p.Val867Ile)

Gene: ALK (ALK receptor tyrosine kinase; minus strand). Cytogenetic location: 2p23.2.
Variant type: single nucleotide variant.
Coding change: c.2599G>A on transcript NM_004304.5 (MANE Select); coding-DNA position 2599, G replaced by A.
Protein change: p.Val867Ile; replaces valine 867 with isoleucine.
Molecular consequence: missense variant.
Genome position (GRCh38, 1-based): chr2:29,232,337, C>T on the plus strand (G>A on the coding strand, the complement: ALK is on the minus strand). VCF-style: chr2-29232337-C-T. GRCh37 (hg19) VCF-style: chr2-29455203-C-T.
Other names: short protein forms V867I.
Identifiers: ClinVar variation 1011650 (VCV001011650.10), dbSNP rs1402889581, ClinGen allele CA346471626.

ClinVar aggregate classification (germline): Uncertain significance. Review status: criteria provided, multiple submitters, no conflicts (2 of 4 stars). 2 submissions from 2 submitters: Uncertain significance (2). Last evaluated 2025-01-17.

Conditions:
Hereditary cancer-predisposing syndrome. Also called: Tumor predisposition; Hereditary Cancer Syndrome; Neoplastic Syndromes, Hereditary; Hereditary neoplastic syndrome. Identifiers: Orphanet 140162, MedGen C0027672, MeSH D009386, MONDO:0015356.
Neuroblastoma, susceptibility to, 3. Also called: ALK-Related Neuroblastic Tumor Susceptibility. Identifiers: Orphanet 635, MedGen C2751681, MONDO:0013083, OMIM 613014.

Allele frequency attached by ClinVar (database versions not stated): TOPMed 0.00001.

Submissions (2):

Ambry Genetics
Classification: Uncertain significance for Hereditary cancer-predisposing syndrome. Last evaluated: 2025-01-17. Review status: criteria provided, single submitter. Criteria: Ambry Variant Classification Scheme 2023. Collection method: clinical testing. Allele origin: germline.
Comment: The p.V867I variant (also known as c.2599G>A), located in coding exon 15 of the ALK gene, results from a G to A substitution at nucleotide position 2599. The valine at codon 867 is replaced by isoleucine, an amino acid with highly similar properties. This amino acid position is conserved. In addition, this alteration is predicted to be tolerated by in silico analysis. Since supporting evidence is limited at this time, the clinical significance of this alteration remains unclear.

Labcorp Genetics (formerly Invitae), Labcorp
Classification: Uncertain significance for Neuroblastoma, susceptibility to, 3. Last evaluated: 2022-03-13. Review status: criteria provided, single submitter. Criteria: Invitae Variant Classification Sherloc (09022015). Collection method: clinical testing. Allele origin: germline.
Comment: In summary, the available evidence is currently insufficient to determine the role of this variant in disease. Therefore, it has been classified as a Variant of Uncertain Significance. Algorithms developed to predict the effect of missense changes on protein structure and function are either unavailable or do not agree on the potential impact of this missense change (SIFT: "Deleterious"; PolyPhen-2: "Benign"; Align-GVGD: "Class C25"). ClinVar contains an entry for this variant (Variation ID: 1011650). This variant has not been reported in the literature in individuals affected with ALK-related conditions. This variant is not present in population databases (gnomAD no frequency). This sequence change replaces valine, which is neutral and non-polar, with isoleucine, which is neutral and non-polar, at codon 867 of the ALK protein (p.Val867Ile).